The following is an entry in ClinVar:

NM_001378454.1(ALMS1):c.9897C>T (p.Ser3299=)

Gene: ALMS1 (ALMS1 centrosome and basal body associated protein; plus strand). Cytogenetic location: 2p13.1.
Variant type: single nucleotide variant.
Coding change: c.9897C>T on transcript NM_001378454.1 (MANE Select); coding-DNA position 9897, C replaced by T.
Protein change: p.Ser3299=; no amino-acid change (serine 3299 retained).
Molecular consequence: synonymous variant.
Genome position (GRCh38, 1-based): chr2:73,534,939, C>T. VCF-style: chr2-73534939-C-T. GRCh37 (hg19) VCF-style: chr2-73762066-C-T.
Other names: c.9900C>T, p.Ser3300= (NM_015120.4).
Identifiers: ClinVar variation 511570 (VCV000511570.15), dbSNP rs1217540541, ClinGen allele CA426766919.
Genomic context (GRCh38, chr2:73,534,939, plus strand): 5'-TCCACAATTAAGACAAATTCCTCCATCTCCGGATTCCAAATCAGATACCACCGTTGAAAG[C>T]TCCCATTCAGGTATTATGCAGAAATTATTCGAAGTTTTATTGTTTGATATTTTATTTGTG-3'
Protein context (NP_001365383.1, residues 3289-3309): PDSKSDTTVE[Ser3299=]SHSGSNDAIA

ClinVar aggregate classification (germline): Likely benign. Review status: criteria provided, multiple submitters, no conflicts (2 of 4 stars). 4 submissions from 4 submitters: Likely benign (4). Last evaluated 2026-02-03.

Conditions:
Cardiovascular phenotype. Identifiers: MedGen CN230736.
Alstrom syndrome (ALMS). Identifiers: Orphanet 64, MedGen C0268425, MONDO:0008763, OMIM 203800.

Allele frequency attached by ClinVar (database versions not stated): gnomAD 0.00001; TOPMed 0.00002.
gnomAD v4.1: 30 of 1,613,654 alleles (0.0019%); highest among the groups gnomAD compares: Admixed American, 0.0033%; no homozygotes.

Submissions (4):

Labcorp Genetics (formerly Invitae), Labcorp
Classification: Likely benign for Alstrom syndrome. Last evaluated: 2026-02-03. Review status: criteria provided, single submitter. Criteria: Invitae Variant Classification Sherloc (09022015). Collection method: clinical testing. Allele origin: germline.

Ambry Genetics
Classification: Likely benign for Cardiovascular phenotype. Last evaluated: 2020-06-10. Review status: criteria provided, single submitter. Criteria: Ambry Variant Classification Scheme 2023. Collection method: clinical testing. Allele origin: germline.

Laboratory for Molecular Medicine, Mass General Brigham Personalized Medicine
Classification: Likely benign. Last evaluated: 2019-07-24. Review status: criteria provided, single submitter. Criteria: LMM Criteria. Collection method: clinical testing. Allele origin: germline. Observed: 1 variant allele.
Comment: The p.Ser3298Ser variant in ALMS1 is classified as likely benign because it does not alter an amino acid residue, it is not located within the splice consensus sequence, and splice prediction algorithms do not predict a newly created splice site. ACMG/AMP Criteria applied: BP4, BP7.

GeneDx
Classification: Likely benign. Last evaluated: 2017-08-30. Review status: criteria provided, single submitter. Criteria: GeneDx Variant Classification (06012015). Collection method: clinical testing. Allele origin: germline. Affected: yes.
Comment: This variant is considered likely benign or benign based on one or more of the following criteria: it is a conservative change, it occurs at a poorly conserved position in the protein, it is predicted to be benign by multiple in silico algorithms, and/or has population frequency not consistent with disease.